The following is an entry in ClinVar:

ClinVar aggregate classification (germline): Likely benign (1 of 4 stars; one submission).

Submission:

CeGaT Center for Human Genetics Tuebingen
Classification: Likely benign. Last evaluated: 2026-01-01. Review status: criteria provided, single submitter. Criteria: CeGaT Center For Human Genetics Tuebingen Variant Classification Criteria Version 2. Collection method: clinical testing. Allele origin: germline. Affected: yes. Observed: 1 variant allele.
Comment: GSN: PM2:Supporting, BP4, BP7

NM_198252.3(GSN):c.2088G>T (p.Val696=)

Gene: GSN (gelsolin; plus strand). Cytogenetic location: 9q33.2.
Variant type: single nucleotide variant.
Coding change: c.2088G>T on transcript NM_198252.3 (MANE Select); coding-DNA position 2088, G replaced by T.
Protein change: p.Val696=; no amino-acid change (valine 696 retained).
Molecular consequence: synonymous variant.
Genome position (GRCh38, 1-based): chr9:121,332,495, G>T. VCF-style: chr9-121332495-G-T. GRCh37 (hg19) VCF-style: chr9-124094773-G-T.
Other names: c.2241G>T, p.Val747= (NM_000177.5); c.2088G>T, p.Val696= (NM_001127662.2, NM_001127664.2, NM_001127665.2 and 10 more transcripts); c.2196G>T, p.Val732= (NM_001127663.2); c.2121G>T, p.Val707= (NM_001127666.2, NM_001127667.2, NM_001353063.2 and 13 more transcripts); c.2139G>T, p.Val713= (NM_001258029.2); c.2112G>T, p.Val704= (NM_001258030.2); c.2160G>T, p.Val720= (NM_001353076.2); c.1434G>T, p.Val478= (NM_001353078.2).
Identifiers: ClinVar variation 4822986 (VCV004822986.4).